The following is an entry in ClinVar:

NM_002500.5(NEUROD1):c.917C>T (p.Ala306Val)

Gene: NEUROD1 (neuronal differentiation 1; minus strand). Cytogenetic location: 2q31.3.
Variant type: single nucleotide variant.
Coding change: c.917C>T on transcript NM_002500.5 (MANE Select); coding-DNA position 917, C replaced by T.
Protein change: p.Ala306Val; replaces alanine 306 with valine.
Molecular consequence: missense variant.
Genome position (GRCh38, 1-based): chr2:181,677,944, G>A on the plus strand (C>T on the coding strand, the complement: NEUROD1 is on the minus strand). VCF-style: chr2-181677944-G-A. GRCh37 (hg19) VCF-style: chr2-182542671-G-A.
Other names: short protein forms A306V.
Identifiers: ClinVar variation 1053839 (VCV001053839.11), dbSNP rs115159138, ClinGen allele CA2011039.

ClinVar aggregate classification (germline): Uncertain significance. Review status: criteria provided, multiple submitters, no conflicts (2 of 4 stars). 3 submissions from 3 submitters: Uncertain significance (3). Last evaluated 2026-01-12.

Conditions:
Maturity-onset diabetes of the young type 6 (MODY6). Identifiers: Orphanet 552, MedGen C1853371, MONDO:0011668, OMIM 606394.
Type 2 diabetes mellitus. Also called: Type II diabetes mellitus. Identifiers: MedGen C0011860, MeSH D003924, MONDO:0005148, OMIM 125853, HP:0005978.

Allele frequency attached by ClinVar (database versions not stated): gnomAD exomes 0.00005; ExAC 0.00007; TOPMed 0.00020; gnomAD 0.00021 and 0.00022; 1000 Genomes Project 0.00040; ESP Exome Variant Server 0.00046; 1000 Genomes Project 30x 0.00078.
gnomAD v4.1: 71 of 1,614,174 alleles (0.0044%); highest among the groups gnomAD compares: African/African-American, 0.085%; no homozygotes.

Submissions (3):

Labcorp Genetics (formerly Invitae), Labcorp
Classification: Uncertain significance. Last evaluated: 2026-01-12. Review status: criteria provided, single submitter. Criteria: Invitae Variant Classification Sherloc (09022015). Collection method: clinical testing. Allele origin: germline.
Comment: This sequence change replaces alanine, which is neutral and non-polar, with valine, which is neutral and non-polar, at codon 306 of the NEUROD1 protein (p.Ala306Val). This variant is present in population databases (rs115159138, gnomAD 0.07%). This variant has not been reported in the literature in individuals affected with NEUROD1-related conditions. ClinVar contains an entry for this variant (Variation ID: 1053839). Invitae Evidence Modeling of protein sequence and biophysical properties (such as structural, functional, and spatial information, amino acid conservation, physicochemical variation, residue mobility, and thermodynamic stability) indicates that this missense variant is not expected to disrupt NEUROD1 protein function with a negative predictive value of 80%. In summary, the available evidence is currently insufficient to determine the role of this variant in disease. Therefore, it has been classified as a Variant of Uncertain Significance.

Fulgent Genetics
Classification: Uncertain significance for Type 2 diabetes mellitus; Maturity-onset diabetes of the young type 6. Last evaluated: 2024-01-09. Review status: criteria provided, single submitter. Criteria: ACMG Guidelines, 2015. Collection method: clinical testing. Allele origin: germline.

GeneDx
Classification: Uncertain significance. Last evaluated: 2022-03-15. Review status: criteria provided, single submitter. Criteria: GeneDx Variant Classification Process June 2021. Collection method: clinical testing. Allele origin: germline. Affected: yes.
Comment: In silico analysis supports that this missense variant does not alter protein structure/function; Has not been previously published as pathogenic or benign to our knowledge